The following is an entry in ClinVar:

ClinVar aggregate classification (germline): Uncertain significance. Review status: criteria provided, multiple submitters, no conflicts (2 of 4 stars). 2 submissions from 2 submitters: Uncertain significance (2). Last evaluated 2025-05-10.

Conditions:
Hereditary cancer-predisposing syndrome. Also called: Neoplastic Syndromes, Hereditary; Tumor predisposition; Hereditary neoplastic syndrome; Hereditary Cancer Syndrome. Identifiers: Orphanet 140162, MedGen C0027672, MeSH D009386, MONDO:0015356.
POLD1-related polyposis and colorectal cancer syndrome (CRCS10). Also called: COLORECTAL CANCER, SUSCEPTIBILITY TO, ON CHROMOSOME 19q; Colorectal cancer 10; Colorectal cancer, susceptibility to, 10. Identifiers: Orphanet 220460, MedGen C2675481, MONDO:0012953, OMIM 612591.

Submissions (2):

Ambry Genetics
Classification: Uncertain significance for Hereditary cancer-predisposing syndrome. Last evaluated: 2025-05-10. Review status: criteria provided, single submitter. Criteria: Ambry Variant Classification Scheme 2023. Collection method: clinical testing. Allele origin: germline.
Comment: The p.M611V variant (also known as c.1831A>G), located in coding exon 14 of the POLD1 gene, results from an A to G substitution at nucleotide position 1831. The methionine at codon 611 is replaced by valine, an amino acid with highly similar properties. This amino acid position is conserved. In addition, this alteration is predicted to be deleterious by in silico analysis. Since supporting evidence is limited at this time, the clinical significance of this alteration remains unclear.

Labcorp Genetics (formerly Invitae), Labcorp
Classification: Uncertain significance for POLD1-related polyposis and colorectal cancer syndrome. Last evaluated: 2025-02-18. Review status: criteria provided, single submitter. Criteria: Invitae Variant Classification Sherloc (09022015). Collection method: clinical testing. Allele origin: germline.
Comment: This sequence change replaces methionine, which is neutral and non-polar, with valine, which is neutral and non-polar, at codon 611 of the POLD1 protein (p.Met611Val). This variant is not present in population databases (gnomAD no frequency). This variant has not been reported in the literature in individuals affected with POLD1-related conditions. ClinVar contains an entry for this variant (Variation ID: 1780958). Invitae Evidence Modeling of protein sequence and biophysical properties (such as structural, functional, and spatial information, amino acid conservation, physicochemical variation, residue mobility, and thermodynamic stability) indicates that this missense variant is expected to disrupt POLD1 protein function with a positive predictive value of 80%. In summary, the available evidence is currently insufficient to determine the role of this variant in disease. Therefore, it has been classified as a Variant of Uncertain Significance.

NM_002691.4(POLD1):c.1831A>G (p.Met611Val)

Gene: POLD1 (DNA polymerase delta 1, catalytic subunit; plus strand). Cytogenetic location: 19q13.33.
Variant type: single nucleotide variant.
Coding change: c.1831A>G on transcript NM_002691.4 (MANE Select); coding-DNA position 1831, A replaced by G.
Protein change: p.Met611Val; replaces methionine 611 with valine.
Molecular consequence: missense variant. On other transcripts: non-coding transcript variant (1).
Genome position (GRCh38, 1-based): chr19:50,408,840, A>G. VCF-style: chr19-50408840-A-G. GRCh37 (hg19) VCF-style: chr19-50912097-A-G.
Other names: c.1831A>G, p.Met611Val (NM_001256849.1); c.1909A>G, p.Met637Val (NM_001308632.1); short protein forms M637V, M611V.
Identifiers: ClinVar variation 1780958 (VCV001780958.8), dbSNP rs1275102026, ClinGen allele CA406982043.
Genomic context (GRCh38, chr19:50,408,840, plus strand): 5'-CCCAGGTACTACGACGTCCCCATCGCCACCCTGGACTTCTCCTCGCTGTACCCGTCCATC[A>G]TGATGGCCCACAACCTGTGTTACACCACGCTCCTTCGGCCCGGGACTGCACAGAAACTGG-3'
Protein context (NP_002682.2, residues 601-621): LDFSSLYPSI[Met611Val]MAHNLCYTTL